The following is an entry in ClinVar:

ClinVar aggregate classification (germline): Uncertain significance (1 of 4 stars; one submission).

Allele frequency attached by ClinVar (database versions not stated): gnomAD exomes below 0.00001.
gnomAD v4.1: 1 of 1,527,072 alleles (0.000065%); highest among the groups gnomAD compares: Admixed American, 0.002%; no homozygotes.

Submission:

Labcorp Genetics (formerly Invitae), Labcorp
Classification: Uncertain significance. Last evaluated: 2023-07-03. Review status: criteria provided, single submitter. Criteria: Invitae Variant Classification Sherloc (09022015). Collection method: clinical testing. Allele origin: germline.
Comment: ClinVar contains an entry for this variant (Variation ID: 1482396). In summary, the available evidence is currently insufficient to determine the role of this variant in disease. Therefore, it has been classified as a Variant of Uncertain Significance. An algorithm developed to predict the effect of missense changes on protein structure and function (PolyPhen-2) suggests that this variant is likely to be tolerated. This variant is not present in population databases (gnomAD no frequency). This sequence change replaces alanine, which is neutral and non-polar, with valine, which is neutral and non-polar, at codon 113 of the RAX2 protein (p.Ala113Val). This missense change has been observed in individual(s) with autosomal dominant RAX2-related conditions (Invitae).

NM_001319074.4(RAX2):c.338C>T (p.Ala113Val)

Gene: RAX2 (retina and anterior neural fold homeobox 2; minus strand). Cytogenetic location: 19p13.3.
Variant type: single nucleotide variant.
Coding change: c.338C>T on transcript NM_001319074.4 (MANE Select); coding-DNA position 338, C replaced by T.
Protein change: p.Ala113Val; replaces alanine 113 with valine.
Molecular consequence: missense variant.
Genome position (GRCh38, 1-based): chr19:3,770,838, G>A on the plus strand (C>T on the coding strand, the complement: RAX2 is on the minus strand). VCF-style: chr19-3770838-G-A. GRCh37 (hg19) VCF-style: chr19-3770836-G-A.
Other names: c.338C>T, p.Ala113Val (NM_032753.4); short protein forms A113V.
Identifiers: ClinVar variation 1482396 (VCV001482396.6), dbSNP rs2145736261, ClinGen allele CA403374739.